The following is an entry in ClinVar:

ClinVar aggregate classification (germline): Pathogenic/Likely pathogenic. Review status: criteria provided, multiple submitters, no conflicts (2 of 4 stars). 5 submissions from 5 submitters: Pathogenic (3); Likely pathogenic (1). 1 of the submissions does not count toward it. Last evaluated 2025-08-09.

Conditions:
Glycine encephalopathy. Also called: Nonketotic hyperglycinemia; Non-ketotic hyperglycinemia. Identifiers: Orphanet 407, MedGen C0751748, MONDO:0011612, HP:0008288.
Glycine encephalopathy 1 (GCE1). Identifiers: MedGen CN376801, MONDO:0958179, OMIM 605899.

Submissions (5):

Natera, Inc.
Classification: Pathogenic for Non-ketotic hyperglycinemia. Last evaluated: 2025-08-09. Review status: criteria provided, single submitter. Criteria: Natera Variant Classification Schema (03/2026). Collection method: clinical testing. Allele origin: germline.
Comment: The c.2481_2484delACAA variant in GLDC is a frameshift variant predicted to shift the reading frame beginning at codon 828 and leads to a stop codon 7 codons downstream. This variant is expected to result in nonsense mediated decay, truncation, or a dysfunctional protein product. This variant is rare in the general population with a frequency below the threshold expected for the associated phenotype(s). This variant has been observed in one or more individuals affected with the associated recessive disease, as either homozygous or compound heterozygous with a second variant (PMID: 27362913). Given the available evidence, this variant is classified as Pathogenic.

GeneDx
Classification: Pathogenic. Last evaluated: 2024-06-25. Review status: criteria provided, single submitter. Criteria: GeneDx Variant Classification Process June 2021. Collection method: clinical testing. Allele origin: germline.
Comment: Frameshift variant predicted to result in protein truncation or nonsense mediated decay in a gene for which loss-of-function is a known mechanism of disease; Not observed at significant frequency in large population cohorts (gnomAD); This variant is associated with the following publications: (PMID: 26179960)

Labcorp Genetics (formerly Invitae), Labcorp
Classification: Pathogenic for Glycine encephalopathy. Last evaluated: 2024-01-25. Review status: criteria provided, single submitter. Criteria: Invitae Variant Classification Sherloc (09022015). Collection method: clinical testing. Allele origin: germline.
Comment: This sequence change creates a premature translational stop signal (p.Gln828Profs*7) in the GLDC gene. It is expected to result in an absent or disrupted protein product. Loss-of-function variants in GLDC are known to be pathogenic (PMID: 16601880). This variant is present in population databases (rs766762760, gnomAD 0.006%). This premature translational stop signal has been observed in individual(s) with nonketotic hyperglycinemia (PMID: 26179960). ClinVar contains an entry for this variant (Variation ID: 557789). For these reasons, this variant has been classified as Pathogenic.

Fulgent Genetics
Classification: Likely pathogenic for Glycine encephalopathy 1. Last evaluated: 2021-11-16. Review status: criteria provided, single submitter. Criteria: ACMG Guidelines, 2015. Collection method: clinical testing. Allele origin: unknown.

Counsyl
Classification: Likely pathogenic for Glycine encephalopathy 1. Last evaluated: 2018-04-10. Review status: no assertion criteria provided. Collection method: clinical testing. Allele origin: unknown. Not counted in ClinVar's aggregate classification.

Literature cited by the submitters: PubMed 27362913 (cited by Natera, Inc.); PubMed 16601880 (cited by Labcorp Genetics (formerly Invitae), Labcorp); PubMed 26179960 (cited by Labcorp Genetics (formerly Invitae), Labcorp and Counsyl).

NM_000170.3(GLDC):c.2481_2484del (p.Gln828fs)

Gene: GLDC (glycine decarboxylase; minus strand). Cytogenetic location: 9p24.1.
Variant type: Deletion.
Coding change: c.2481_2484del on transcript NM_000170.3 (MANE Select); coding-DNA positions 2481 to 2484, 4 bases deleted (ACAA; older notation c.2481_2484delACAA).
Protein change: p.Gln828fs; shifts the reading frame from glutamine 828.
Molecular consequence: frameshift variant.
Genome position (GRCh38, 1-based): chr9:6,550,888-6,550,891, TTGT deleted on the plus strand (ACAA on the coding strand, the reverse complement: GLDC is on the minus strand); deleting any 4 consecutive bases within chr9:6,550,888-6,550,893 gives the same sequence; the c. name uses the placement nearest the transcript's 3' end. VCF-style (leftmost placement, unchanged base first): chr9-6550887-CTTGT-C. GRCh37 (hg19) VCF-style: chr9-6550887-CTTGT-C.
Other names: c.2481_2484del (NM_000170.2); c.2481_2484delACAA (NM_000170.2); short protein forms Q828fs.
Identifiers: ClinVar variation 557789 (VCV000557789.18), dbSNP rs766762760, ClinGen allele CA4980197.
Genomic context (GRCh38, chr9:6,550,887, plus strand): 5'-TGTAGTGTGTTTCTAATCGCTTGGCCATGTAGTTGGCATTTAATATCGCAGTTTCCGTGG[CTTGT>C]TTAAGACCCTTGCCTCCCATCATCTGCAACAAAGGGAAAAAGAGCCATTAGCCATTGAAC-3'